The following is an entry in ClinVar:

NM_000051.4(ATM):c.5727G>A (p.Met1909Ile)

Gene: ATM (ATM serine/threonine kinase; plus strand). Cytogenetic location: 11q22.3.
Variant type: single nucleotide variant.
Coding change: c.5727G>A on transcript NM_000051.4 (MANE Select); coding-DNA position 5727, G replaced by A.
Protein change: p.Met1909Ile; replaces methionine 1909 with isoleucine.
Molecular consequence: missense variant.
Genome position (GRCh38, 1-based): chr11:108,307,949, G>A. VCF-style: chr11-108307949-G-A. GRCh37 (hg19) VCF-style: chr11-108178676-G-A.
Other names: c.5727G>A, p.Met1909Ile (NM_001351834.2); short protein forms M1909I.
Identifiers: ClinVar variation 482620 (VCV000482620.16), dbSNP rs1555109119, ClinGen allele CA382547952.

ClinVar aggregate classification (germline): Uncertain significance. Review status: criteria provided, multiple submitters, no conflicts (2 of 4 stars). 3 submissions from 3 submitters: Uncertain significance (3). Last evaluated 2025-07-15.

Conditions:
Hereditary cancer-predisposing syndrome. Also called: Hereditary neoplastic syndrome; Neoplastic Syndromes, Hereditary; Tumor predisposition; Hereditary Cancer Syndrome. Identifiers: Orphanet 140162, MedGen C0027672, MeSH D009386, MONDO:0015356.
Ataxia-telangiectasia syndrome (AT). Also called: LOUIS-BAR SYNDROME; Cerebello-oculocutaneous telangiectasia; Immunodeficiency with ataxia telangiectasia; AT, COMPLEMENTATION GROUP C; Ataxia-telangiectasia, complementation group D; ATAXIA-TELANGIECTASIA, COMPLEMENTATION GROUP A. Identifiers: Orphanet 100, MedGen C0004135, MONDO:0008840, OMIM 208900.

Allele frequency attached by ClinVar (database versions not stated): gnomAD exomes below 0.00001.

Submissions (3):

Labcorp Genetics (formerly Invitae), Labcorp
Classification: Uncertain significance for Ataxia-telangiectasia syndrome. Last evaluated: 2025-07-15. Review status: criteria provided, single submitter. Criteria: Invitae Variant Classification Sherloc (09022015). Collection method: clinical testing. Allele origin: germline.
Comment: This sequence change replaces methionine, which is neutral and non-polar, with isoleucine, which is neutral and non-polar, at codon 1909 of the ATM protein (p.Met1909Ile). This variant is not present in population databases (gnomAD no frequency). This variant has not been reported in the literature in individuals affected with ATM-related conditions. ClinVar contains an entry for this variant (Variation ID: 482620). Invitae Evidence Modeling of protein sequence and biophysical properties (such as structural, functional, and spatial information, amino acid conservation, physicochemical variation, residue mobility, and thermodynamic stability) indicates that this missense variant is not expected to disrupt ATM protein function with a negative predictive value of 95%. In summary, the available evidence is currently insufficient to determine the role of this variant in disease. Therefore, it has been classified as a Variant of Uncertain Significance.

Color Diagnostics, LLC DBA Color Health
Classification: Uncertain significance for Hereditary cancer-predisposing syndrome. Last evaluated: 2025-06-23. Review status: criteria provided, single submitter. Criteria: ACMG Guidelines, 2015. Collection method: clinical testing. Allele origin: germline.
Comment: This missense variant replaces methionine with isoleucine at codon 1909 of the ATM protein. Computational prediction suggests that this variant may not impact protein structure and function. To our knowledge, functional studies have not been reported for this variant. This variant has not been reported in individuals affected with ATM-related disorders in the literature. This variant has not been identified in the general population by the Genome Aggregation Database (gnomAD). The available evidence is insufficient to determine the role of this variant in disease conclusively. Therefore, this variant is classified as a Variant of Uncertain Significance.

Ambry Genetics
Classification: Uncertain significance for Hereditary cancer-predisposing syndrome. Last evaluated: 2023-02-03. Review status: criteria provided, single submitter. Criteria: Ambry Variant Classification Scheme 2023. Collection method: clinical testing. Allele origin: germline.
Comment: The p.M1909I variant (also known as c.5727G>A), located in coding exon 37 of the ATM gene, results from a G to A substitution at nucleotide position 5727. The methionine at codon 1909 is replaced by isoleucine, an amino acid with highly similar properties. This amino acid position is highly conserved in available vertebrate species. In addition, this alteration is predicted to be deleterious by in silico analysis. Since supporting evidence is limited at this time, the clinical significance of this alteration remains unclear.